The following is an entry in ClinVar:

ClinVar aggregate classification (germline): Uncertain significance. Review status: criteria provided, multiple submitters, no conflicts (2 of 4 stars). 2 submissions from 2 submitters: Uncertain significance (2). Last evaluated 2023-06-22.

Conditions:
Hereditary cancer-predisposing syndrome. Also called: Hereditary neoplastic syndrome; Tumor predisposition; Hereditary Cancer Syndrome; Neoplastic Syndromes, Hereditary. Identifiers: Orphanet 140162, MedGen C0027672, MeSH D009386, MONDO:0015356.

gnomAD v4.1: 2 of 1,614,144 alleles (0.00012%); highest among the groups gnomAD compares: Admixed American, 0.0033%; no homozygotes.

Submissions (2):

Ambry Genetics
Classification: Uncertain significance for Hereditary cancer-predisposing syndrome. Last evaluated: 2023-06-22. Review status: criteria provided, single submitter. Criteria: Ambry Variant Classification Scheme 2023. Collection method: clinical testing. Allele origin: germline.
Comment: The p.D100V variant (also known as c.299A>T), located in coding exon 3 of the EPCAM gene, results from an A to T substitution at nucleotide position 299. The aspartic acid at codon 100 is replaced by valine, an amino acid with highly dissimilar properties. This amino acid position is conserved. In addition, the in silico prediction for this alteration is inconclusive. Since supporting evidence is limited at this time, the clinical significance of this alteration remains unclear.

Labcorp Genetics (formerly Invitae), Labcorp
Classification: Uncertain significance. Last evaluated: 2015-11-02. Review status: criteria provided, single submitter. Criteria: Invitae Variant Classification Sherloc (09022015). Collection method: clinical testing. Allele origin: germline.
Comment: Algorithms developed to predict the effect of missense changes on protein structure and function (SIFT, PolyPhen-2, Align-GVGD) all suggest that this variant is likely to be disruptive, but these predictions have not been confirmed by published functional studies. This variant is present in population databases (ExAC 0.01%) but has not been reported in the literature. In summary, this is a rare missense change with uncertain impact on protein function. There is no indication that this variant causes disease, but the evidence is insufficient at this time to prove that conclusively. Therefore, it has been classified as a Variant of Uncertain Significance. This sequence change replaces aspartic acid with valine at codon 100 of the EPCAM protein (p.Asp100Val). The aspartic acid residue is highly conserved and there is a large physicochemical difference between aspartic acid and valine.

NM_002354.3(EPCAM):c.299A>T (p.Asp100Val)

Gene: EPCAM (epithelial cell adhesion molecule; plus strand). Cytogenetic location: 2p21.
Variant type: single nucleotide variant.
Coding change: c.299A>T on transcript NM_002354.3 (MANE Select); coding-DNA position 299, A replaced by T.
Protein change: p.Asp100Val; replaces aspartic acid 100 with valine.
Molecular consequence: missense variant.
Genome position (GRCh38, 1-based): chr2:47,373,922, A>T. VCF-style: chr2-47373922-A-T. GRCh37 (hg19) VCF-style: chr2-47601061-A-T.
Other names: short protein forms D100V.
Identifiers: ClinVar variation 220748 (VCV000220748.10), dbSNP rs587780557, ClinGen allele CA350064.